The following is an entry in ClinVar:

NM_001367561.1(DOCK7):c.3791A>G (p.Asn1264Ser)

Gene: DOCK7 (dedicator of cytokinesis 7; minus strand). Cytogenetic location: 1p31.3.
Variant type: single nucleotide variant.
Coding change: c.3791A>G on transcript NM_001367561.1 (MANE Select); coding-DNA position 3791, A replaced by G.
Protein change: p.Asn1264Ser; replaces asparagine 1264 with serine.
Molecular consequence: missense variant.
Genome position (GRCh38, 1-based): chr1:62,528,296, T>C on the plus strand (A>G on the coding strand, the complement: DOCK7 is on the minus strand). VCF-style: chr1-62528296-T-C. GRCh37 (hg19) VCF-style: chr1-62993967-T-C.
Other names: c.3698A>G (NM_033407.2); c.3791A>G, p.Asn1264Ser (NM_001271999.2, NM_001330614.2); c.3698A>G, p.Asn1233Ser (NM_001272000.2, NM_001272001.2, NM_033407.4); short protein forms N1233S, N1264S.
Identifiers: ClinVar variation 1019878 (VCV001019878.7), dbSNP rs1645074797, ClinGen allele CA340600264.
Genomic context (GRCh38, chr1:62,528,296, plus strand): 5'-ATACTTCCGCTCTCACTTTCATAATCATCAGTGGCTATACAAATTGGTCTTCCTCGTTGA[T>C]TGTGAGTTTCTAAAGAAAAATAATCCAAAAAAATAAATAAAACTGTTTAGCTGAACTAAT-3'
Protein context (NP_001354490.1, residues 1254-1274): PQLYDFTETH[Asn1264Ser]QRGRPICIAT

ClinVar aggregate classification (germline): Uncertain significance. Review status: criteria provided, multiple submitters, no conflicts (2 of 4 stars). 2 submissions from 2 submitters: Uncertain significance (2). Last evaluated 2025-10-15.

Conditions:
Inborn genetic diseases. Identifiers: MedGen C0950123, MeSH D030342.
Developmental and epileptic encephalopathy, 23 (DEE23). Also called: Epileptic encephalopathy, early infantile, 23. Identifiers: Orphanet 411986, MedGen C4014492, MONDO:0014371, OMIM 615859.

Allele frequency attached by ClinVar (database versions not stated): gnomAD exomes 0.00001; TOPMed below 0.00001.
gnomAD v4.1: 3 of 1,609,072 alleles (0.00019%); highest among the groups gnomAD compares: Non-Finnish European, 0.00025%; no homozygotes.

Submissions (2):

Ambry Genetics
Classification: Uncertain significance for Inborn genetic diseases. Last evaluated: 2025-10-15. Review status: criteria provided, single submitter. Criteria: Ambry Variant Classification Scheme 2023. Collection method: clinical testing. Allele origin: germline.

Labcorp Genetics (formerly Invitae), Labcorp
Classification: Uncertain significance for Developmental and epileptic encephalopathy, 23. Last evaluated: 2021-08-26. Review status: criteria provided, single submitter. Criteria: Invitae Variant Classification Sherloc (09022015). Collection method: clinical testing. Allele origin: germline.
Comment: This sequence change replaces asparagine with serine at codon 1264 of the DOCK7 protein (p.Asn1264Ser). The asparagine residue is moderately conserved and there is a small physicochemical difference between asparagine and serine. This variant is not present in population databases (ExAC no frequency). This variant has not been reported in the literature in individuals affected with DOCK7-related conditions. Algorithms developed to predict the effect of missense changes on protein structure and function (SIFT, PolyPhen-2, Align-GVGD) all suggest that this variant is likely to be tolerated. In summary, the available evidence is currently insufficient to determine the role of this variant in disease. Therefore, it has been classified as a Variant of Uncertain Significance.